The following is an entry in ClinVar:

NM_000334.4(SCN4A):c.3733G>A (p.Gly1245Ser)

Genes: SCN4A (sodium voltage-gated channel alpha subunit 4; minus strand), GH-LCR (growth hormone locus control region; plus strand). Cytogenetic location: 17q23.3.
Variant type: single nucleotide variant.
Coding change: c.3733G>A on transcript NM_000334.4 (MANE Select); coding-DNA position 3733, G replaced by A.
Protein change: p.Gly1245Ser; replaces glycine 1245 with serine.
Molecular consequence: missense variant.
Genome position (GRCh38, 1-based): chr17:63,945,048, C>T on the plus strand (G>A on the coding strand, the complement: SCN4A is on the minus strand). VCF-style: chr17-63945048-C-T. GRCh37 (hg19) VCF-style: chr17-62022408-C-T.
Other names: short protein forms G1245S.
Identifiers: ClinVar variation 2664731 (VCV002664731.1), dbSNP rs1908668408, ClinGen allele CA400617633.
Genomic context (GRCh38, chr17:63,945,048, plus strand): 5'-CTCAGCGACCCCGACTCACCTCCCGGGAGTCCACGGCTGCATACATGATGTCCATCCAAC[C>T]CTTGAAGGTGGCCTGAGAGAGTGTGGTTGGGGAGTGAGCCGGGGGGCTGCTCCCTGCTTT-3'
Protein context (NP_000325.4, residues 1235-1255): LSLLQVATFK[Gly1245Ser]WMDIMYAAVD

ClinVar aggregate classification (germline): Likely pathogenic (1 of 4 stars; one submission).

Conditions:
Congenital myasthenic syndrome 16. Identifiers: Orphanet 590, MedGen C3280112, MONDO:0013620, OMIM 614198.

Submission:

Genetics and Molecular Pathology, SA Pathology
Classification: Likely pathogenic for Congenital myasthenic syndrome 16. Last evaluated: 2022-05-12. Review status: criteria provided, single submitter. Criteria: ACMG Guidelines, 2015. Collection method: clinical testing. Allele origin: germline. Affected: yes.
Comment: The SCN4A c.3733G>A variant is classified as LIKELY PATHOGENIC (PS2, PM2, PP3) The SCN4A c.3733G>A variant is a single nucleotide change in exon 20/24 of the SCN4A gene, which is predicted to change the amino acid glycine at position 1245 in the protein to serine. This variant is not in dbSNP and is absent from population databases (PM2). This variant has not been reported in the ClinVar or HGMD disease databases. Computational predictions support a deleterious effect on the gene or gene product (PP3).